The following is an entry in ClinVar:

NM_024757.5(EHMT1):c.3880G>A (p.Ala1294Thr)

Gene: EHMT1 (euchromatic histone lysine methyltransferase 1; plus strand). Cytogenetic location: 9q34.3.
Variant type: single nucleotide variant.
Coding change: c.3880G>A on transcript NM_024757.5 (MANE Select); coding-DNA position 3880, G replaced by A.
Protein change: p.Ala1294Thr; replaces alanine 1294 with threonine.
Molecular consequence: missense variant.
Genome position (GRCh38, 1-based): chr9:137,834,936, G>A. VCF-style: chr9-137834936-G-A. GRCh37 (hg19) VCF-style: chr9-140729388-G-A.
Other names: c.3859G>A, p.Ala1287Thr (NM_001354263.2); short protein forms A1287T, A1294T.
Identifiers: ClinVar variation 998783 (VCV000998783.9), dbSNP rs745313387, ClinGen allele CA5375498.

ClinVar aggregate classification (germline): Uncertain significance (1 of 4 stars; one submission).

Conditions:
Kleefstra syndrome 1 (KLEFS1). Identifiers: Orphanet 261494, MedGen C0795833, MONDO:0027407, OMIM 610253.

Allele frequency attached by ClinVar (database versions not stated): ExAC 0.00005; gnomAD exomes below 0.00001.
gnomAD v4.1: 1 of 1,522,366 alleles (0.000066%); highest among the groups gnomAD compares: South Asian, 0.0012%; no homozygotes.

Submission:

Labcorp Genetics (formerly Invitae), Labcorp
Classification: Uncertain significance for Kleefstra syndrome 1. Last evaluated: 2020-05-15. Review status: criteria provided, single submitter. Criteria: Invitae Variant Classification Sherloc (09022015). Collection method: clinical testing. Allele origin: germline.
Comment: In summary, the available evidence is currently insufficient to determine the role of this variant in disease. Therefore, it has been classified as a Variant of Uncertain Significance. Algorithms developed to predict the effect of missense changes on protein structure and function output the following: SIFT: "Tolerated"; PolyPhen-2: "Benign"; Align-GVGD: "Class C0". The threonine amino acid residue is found in multiple mammalian species, suggesting that this missense change does not adversely affect protein function. These predictions have not been confirmed by published functional studies and their clinical significance is uncertain. This variant has not been reported in the literature in individuals with EHMT1-related conditions. This variant is present in population databases (rs745313387, ExAC 0.02%). This sequence change replaces alanine with threonine at codon 1294 of the EHMT1 protein (p.Ala1294Thr). The alanine residue is moderately conserved and there is a small physicochemical difference between alanine and threonine.